The following is an entry in ClinVar:

NM_000213.5(ITGB4):c.1924G>A (p.Glu642Lys)

Gene: ITGB4 (integrin subunit beta 4; plus strand). Cytogenetic location: 17q25.1.
Variant type: single nucleotide variant.
Coding change: c.1924G>A on transcript NM_000213.5 (MANE Select); coding-DNA position 1924, G replaced by A.
Protein change: p.Glu642Lys; replaces glutamic acid 642 with lysine.
Molecular consequence: missense variant.
Genome position (GRCh38, 1-based): chr17:75,736,628, G>A. VCF-style: chr17-75736628-G-A. GRCh37 (hg19) VCF-style: chr17-73732709-G-A.
Other names: c.1924G>A, p.Glu642Lys (NM_001005619.2, NM_001005731.3, NM_001321123.2); short protein forms E642K.
Identifiers: ClinVar variation 714023 (VCV000714023.18), dbSNP rs200371855, ClinGen allele CA8769188.

ClinVar aggregate classification (germline): Benign/Likely benign. Review status: criteria provided, multiple submitters, no conflicts (2 of 4 stars). 6 submissions from 6 submitters: Benign (2); Likely benign (2). 2 of the submissions do not count toward it. Last evaluated 2026-06-01.

Conditions:
Multiple sclerosis. Identifiers: MedGen C0026769, MONDO:0005301.
Junctional epidermolysis bullosa with pyloric atresia. Also called: Epidermolysis bullosa, junctional, with pyloric atresia and aplasia cutis congenita; Epidermolysis bullosa junctionalis with pyloric atresia; ITGB4-Related Epidermolysis Bullosa with Pyloric Atresia; APLASIA CUTIS CONGENITA WITH GASTROINTESTINAL ATRESIA; CARMI SYNDROME; Junctional Epidermolysis Bullosa- Pyloric Atresia Syndrome. Identifiers: Orphanet 79403, MedGen C5676875, MONDO:0009183, OMIM 226730.
ITGB4-related disorder. Also called: ITGB4-related condition.
Inborn genetic diseases. Identifiers: MedGen C0950123, MeSH D030342.

Allele frequency attached by ClinVar (database versions not stated): ESP Exome Variant Server 0.00008; TOPMed 0.00053; 1000 Genomes Project 0.00060; 1000 Genomes Project 30x 0.00062; gnomAD 0.00067 and 0.00068.
gnomAD v4.1: 557 of 1,602,094 alleles (0.035%); highest among the groups gnomAD compares: Admixed American, 0.68%; 2 homozygotes.

Submissions (6):

CeGaT Center for Human Genetics Tuebingen
Classification: Likely benign. Last evaluated: 2026-06-01. Review status: criteria provided, single submitter. Criteria: CeGaT Center For Human Genetics Tuebingen Variant Classification Criteria Version 2. Collection method: clinical testing. Allele origin: germline. Affected: yes. Observed: 1 variant allele.
Comment: ITGB4: BS1

Labcorp Genetics (formerly Invitae), Labcorp
Classification: Benign. Last evaluated: 2026-02-01. Review status: criteria provided, single submitter. Criteria: Invitae Variant Classification Sherloc (09022015). Collection method: clinical testing. Allele origin: germline.

Ambry Genetics
Classification: Likely benign for Inborn genetic diseases. Last evaluated: 2025-01-18. Review status: criteria provided, single submitter. Criteria: Ambry Variant Classification Scheme 2023. Collection method: clinical testing. Allele origin: germline.

Illumina Laboratory Services, Illumina
Classification: Benign for Junctional epidermolysis bullosa with pyloric atresia. Last evaluated: 2018-01-13. Review status: criteria provided, single submitter. Criteria: ICSL Variant Classification Criteria 13 December 2019. Collection method: clinical testing. Allele origin: germline.
Comment: This variant was observed in the ICSL laboratory as part of a predisposition screen in an ostensibly healthy population. It had not been previously curated by ICSL or reported in the Human Gene Mutation Database (HGMD: prior to June 1st, 2018), and was therefore a candidate for classification through an automated scoring system. Utilizing variant allele frequency, disease prevalence and penetrance estimates, and inheritance mode, an automated score was calculated to assess if this variant is too frequent to cause the disease. Based on the score and internal cut-off values, a variant classified as benign is not then subjected to further curation. The score for this variant resulted in a classification of benign for this disease.

Department of Molecular Biology and Genetics, Acibadem University
Classification: Likely pathogenic for Multiple sclerosis. Last evaluated: 2024-06-10. Review status: no assertion criteria provided. Collection method: research. Allele origin: germline. Affected: yes. Not counted in ClinVar's aggregate classification.

PreventionGenetics, part of Exact Sciences
Classification: Benign for ITGB4-related condition. Last evaluated: 2019-11-12. Review status: no assertion criteria provided. Collection method: clinical testing. Allele origin: germline. Not counted in ClinVar's aggregate classification.
Comment: This variant is classified as benign based on ACMG/AMP sequence variant interpretation guidelines (Richards et al. 2015 PMID: 25741868, with internal and published modifications).